The following is an entry in ClinVar:

NM_004984.4(KIF5A):c.1436C>A (p.Ala479Asp)

Gene: KIF5A (kinesin family member 5A; plus strand). Cytogenetic location: 12q13.3.
Variant type: single nucleotide variant.
Coding change: c.1436C>A on transcript NM_004984.4 (MANE Select); coding-DNA position 1436, C replaced by A.
Protein change: p.Ala479Asp; replaces alanine 479 with aspartic acid.
Molecular consequence: missense variant.
Genome position (GRCh38, 1-based): chr12:57,572,134, C>A. VCF-style: chr12-57572134-C-A. GRCh37 (hg19) VCF-style: chr12-57965917-C-A.
Other names: c.1169C>A, p.Ala390Asp (NM_001354705.2); short protein forms A390D, A479D.
Identifiers: ClinVar variation 4777836 (VCV004777836.1).
Genomic context (GRCh38, chr12:57,572,134, plus strand): 5'-CCCGAGGAGACAACGAGAAGGTCCAGCGGGAGCTGAGCCACCTGCAATCAGAGAACGATG[C>A]CGCTAAGGATGAGGTGAAGGAAGTGCTGCAGGCCCTGGAGGAGCTGGCTGTGAACTATGA-3'
Protein context (NP_004975.2, residues 469-489): ELSHLQSEND[Ala479Asp]AKDEVKEVLQ

ClinVar aggregate classification (germline): Uncertain significance (1 of 4 stars; one submission).

Conditions:
Spastic paraplegia. Identifiers: MedGen C0037772, HP:0001258.

gnomAD v4.1: 1 of 1,614,074 alleles (0.000062%); highest among the groups gnomAD compares: South Asian, 0.0011%; no homozygotes.

Submission:

Labcorp Genetics (formerly Invitae), Labcorp
Classification: Uncertain significance for Spastic paraplegia. Last evaluated: 2025-02-20. Review status: criteria provided, single submitter. Criteria: Invitae Variant Classification Sherloc (09022015). Collection method: clinical testing. Allele origin: germline.
Comment: This sequence change replaces alanine, which is neutral and non-polar, with aspartic acid, which is acidic and polar, at codon 479 of the KIF5A protein (p.Ala479Asp). This variant is not present in population databases (gnomAD no frequency). This variant has not been reported in the literature in individuals affected with KIF5A-related conditions. Invitae Evidence Modeling of protein sequence and biophysical properties (such as structural, functional, and spatial information, amino acid conservation, physicochemical variation, residue mobility, and thermodynamic stability) indicates that this missense variant is not expected to disrupt KIF5A protein function with a negative predictive value of 95%. In summary, the available evidence is currently insufficient to determine the role of this variant in disease. Therefore, it has been classified as a Variant of Uncertain Significance.